The following is an entry in ClinVar:

ClinVar aggregate classification (germline): Likely benign. Review status: criteria provided, multiple submitters, no conflicts (2 of 4 stars). 4 submissions from 4 submitters: Likely benign (3). 1 of the submissions does not count toward it. Last evaluated 2026-02-02.

Conditions:
SPARC-related disorder. Also called: SPARC-related condition.

Allele frequency attached by ClinVar (database versions not stated): 1000 Genomes Project 30x 0.00016; 1000 Genomes Project 0.00020; gnomAD 0.00022; ESP Exome Variant Server 0.00031; TOPMed 0.00045.
gnomAD v4.1: 427 of 1,614,142 alleles (0.026%); highest among the groups gnomAD compares: Admixed American, 0.13%; no homozygotes.

Submissions (4):

Women's Health and Genetics/Laboratory Corporation of America, LabCorp
Classification: Likely benign. Last evaluated: 2026-02-02. Review status: criteria provided, single submitter. Criteria: LabCorp Variant Classification Summary - May 2015. Collection method: clinical testing. Allele origin: germline.

Labcorp Genetics (formerly Invitae), Labcorp
Classification: Likely benign. Last evaluated: 2026-01-18. Review status: criteria provided, single submitter. Criteria: Invitae Variant Classification Sherloc (09022015). Collection method: clinical testing. Allele origin: germline.

Blueprint Genetics
Classification: Likely benign. Last evaluated: 2024-08-16. Review status: criteria provided, single submitter. Criteria: ACMG Guidelines, 2015. Collection method: clinical testing. Allele origin: germline.

PreventionGenetics, part of Exact Sciences
Classification: Likely benign for SPARC-related condition. Last evaluated: 2024-05-29. Review status: no assertion criteria provided. Collection method: clinical testing. Allele origin: germline. Not counted in ClinVar's aggregate classification.
Comment: This variant is classified as likely benign based on ACMG/AMP sequence variant interpretation guidelines (Richards et al. 2015 PMID: 25741868, with internal and published modifications).

NM_003118.4(SPARC):c.483C>G (p.Thr161=)

Gene: SPARC (secreted protein acidic and cysteine rich; minus strand). Cytogenetic location: 5q33.1.
Variant type: single nucleotide variant.
Coding change: c.483C>G on transcript NM_003118.4 (MANE Select); coding-DNA position 483, C replaced by G.
Protein change: p.Thr161=; no amino-acid change (threonine 161 retained).
Molecular consequence: synonymous variant.
Genome position (GRCh38, 1-based): chr5:151,667,569, G>C on the plus strand (C>G on the coding strand, the complement: SPARC is on the minus strand). VCF-style: chr5-151667569-G-C. GRCh37 (hg19) VCF-style: chr5-151047130-G-C.
Other names: c.480C>G, p.Thr160= (NM_001309443.2); c.483C>G, p.Thr161= (NM_001309444.2).
Identifiers: ClinVar variation 728190 (VCV000728190.13), dbSNP rs376445735, ClinGen allele CA3522670.